The following is an entry in ClinVar:

ClinVar aggregate classification (germline): Likely benign. Review status: criteria provided, multiple submitters, no conflicts (2 of 4 stars). 2 submissions from 2 submitters: Likely benign (2). Last evaluated 2026-07-31.

Conditions:
Familial colorectal cancer type X. Identifiers: Orphanet 440437, MedGen C3896578, MONDO:0018604.

Allele frequency attached by ClinVar (database versions not stated): gnomAD exomes 0.00001.
gnomAD v4.1: 10 of 1,613,010 alleles (0.00062%); highest among the groups gnomAD compares: African/African-American, 0.0027%; no homozygotes.

Submissions (2):

Myriad Genetics, Inc.
Classification: Likely benign for Familial colorectal cancer type X. Last evaluated: 2026-07-31. Review status: criteria provided, single submitter. Criteria: Myriad Autosomal Dominant, Autosomal Recessive and X-Linked Classification Criteria (2023). Collection method: clinical testing. Allele origin: unknown.
Comment: This variant is considered likely benign. This variant is intronic and is not expected to impact mRNA splicing.

Labcorp Genetics (formerly Invitae), Labcorp
Classification: Likely benign. Last evaluated: 2025-05-27. Review status: criteria provided, single submitter. Criteria: Invitae Variant Classification Sherloc (09022015). Collection method: clinical testing. Allele origin: germline.

NM_001023.4(RPS20):c.104-7C>T

Gene: RPS20 (ribosomal protein S20; minus strand). Cytogenetic location: 8q12.1.
Variant type: single nucleotide variant.
Coding change: c.104-7C>T on transcript NM_001023.4 (MANE Select); 7 bases into the intron before coding-DNA position 104, C replaced by T.
Molecular consequence: intron variant.
Genome position (GRCh38, 1-based): chr8:56,073,775, G>A on the plus strand (C>T on the coding strand, the complement: RPS20 is on the minus strand). VCF-style: chr8-56073775-G-A. GRCh37 (hg19) VCF-style: chr8-56986334-G-A.
Other names: c.104-7C>T (NM_001146227.3).
Identifiers: ClinVar variation 1623961 (VCV001623961.9), dbSNP rs1467873509, ClinGen allele CA582403088.